The following is an entry in ClinVar:

ClinVar aggregate classification (germline): Uncertain significance. Review status: criteria provided, multiple submitters, no conflicts (2 of 4 stars). 2 submissions from 2 submitters: Uncertain significance (2). Last evaluated 2023-10-03.

Conditions:
Developmental and epileptic encephalopathy. Identifiers: MedGen C5779964, MONDO:0100620.
Inborn genetic diseases. Identifiers: MedGen C0950123, MeSH D030342.

Allele frequency attached by ClinVar (database versions not stated): gnomAD exomes 0.00001 and 0.00003; TOPMed 0.00008; gnomAD 0.00009.
gnomAD v4.1: 23 of 1,603,076 alleles (0.0014%); highest among the groups gnomAD compares: Admixed American, 0.035%; no homozygotes.

Submissions (2):

Labcorp Genetics (formerly Invitae), Labcorp
Classification: Uncertain significance for Early-infantile DEE. Last evaluated: 2023-10-03. Review status: criteria provided, single submitter. Criteria: Invitae Variant Classification Sherloc (09022015). Collection method: clinical testing. Allele origin: germline.
Comment: This sequence change replaces isoleucine, which is neutral and non-polar, with valine, which is neutral and non-polar, at codon 87 of the CACNA2D2 protein (p.Ile87Val). This variant is present in population databases (no rsID available, gnomAD 0.02%). This variant has not been reported in the literature in individuals affected with CACNA2D2-related conditions. ClinVar contains an entry for this variant (Variation ID: 1001745). An algorithm developed to predict the effect of missense changes on protein structure and function (PolyPhen-2) suggests that this variant¬†is likely to be tolerated. In summary, the available evidence is currently insufficient to determine the role of this variant in disease. Therefore, it has been classified as a Variant of Uncertain Significance.

Ambry Genetics
Classification: Uncertain significance for Inborn genetic diseases. Last evaluated: 2022-11-01. Review status: criteria provided, single submitter. Criteria: Ambry Variant Classification Scheme 2023. Collection method: clinical testing. Allele origin: germline.

NM_006030.4(CACNA2D2):c.259A>G (p.Ile87Val)

Gene: CACNA2D2 (calcium voltage-gated channel auxiliary subunit alpha2delta 2; minus strand). Cytogenetic location: 3p21.31.
Variant type: single nucleotide variant.
Coding change: c.259A>G on transcript NM_006030.4 (MANE Select); coding-DNA position 259, A replaced by G.
Protein change: p.Ile87Val; replaces isoleucine 87 with valine.
Molecular consequence: missense variant.
Genome position (GRCh38, 1-based): chr3:50,476,147, T>C on the plus strand (A>G on the coding strand, the complement: CACNA2D2 is on the minus strand). VCF-style: chr3-50476147-T-C. GRCh37 (hg19) VCF-style: chr3-50513578-T-C.
Other names: c.259A>G, p.Ile87Val (NM_001005505.3, NM_001174051.3); c.52A>G, p.Ile18Val (NM_001291101.1); c.259A>G (NM_001174051.1); short protein forms I18V, I87V.
Identifiers: ClinVar variation 1001745 (VCV001001745.6), dbSNP rs1340091797, ClinGen allele CA353002562.